The following is an entry in ClinVar:

ClinVar aggregate classification (germline): Pathogenic (1 of 4 stars; one submission).

Submission:

Labcorp Genetics (formerly Invitae), Labcorp
Classification: Pathogenic. Last evaluated: 2023-08-29. Review status: criteria provided, single submitter. Criteria: Invitae Variant Classification Sherloc (09022015). Collection method: clinical testing. Allele origin: germline.
Comment: This variant is a gross deletion of the genomic region encompassing exon(s) 18 of the ABCA4 gene. This variant would be expected to be in-frame, preserving the integrity of the reading frame. A similar copy number variant has been observed in individual(s) with Stargardt disease (PMID: 12754711). In at least one individual the data is consistent with being in trans (on the opposite chromosome) from a pathogenic variant. It has also been observed to segregate with disease in related individuals. Algorithms developed to predict the effect of variants on protein structure and function are not available or were not evaluated for this variant. Experimental studies have shown that a similar copy number variant affects ABCA4 function (PMID: 12754711). For these reasons, this variant has been classified as Pathogenic.

Literature cited by the submitters: PubMed 12754711.

NC_000001.10:g.(?_94514404)_(94514533_?)del

Gene: ABCA4 (ATP binding cassette subfamily A member 4; minus strand). Cytogenetic location: 1p22.1.
Variant type: Deletion.
Identifiers: ClinVar variation 1392847 (VCV001392847.5).